The following is an entry in ClinVar:

NM_000492.4(CFTR):c.54-1G>T

Gene: CFTR (CF transmembrane conductance regulator; plus strand). Cytogenetic location: 7q31.2.
Variant type: single nucleotide variant.
Coding change: c.54-1G>T on transcript NM_000492.4 (MANE Select); the canonical splice acceptor site of the intron before coding-DNA position 54, G replaced by T.
Molecular consequence: splice acceptor variant.
Genome position (GRCh38, 1-based): chr7:117,504,252, G>T. VCF-style: chr7-117504252-G-T. GRCh37 (hg19) VCF-style: chr7-117144306-G-T.
Identifiers: ClinVar variation 2822143 (VCV002822143.4), dbSNP rs2484968022, ClinGen allele CA368986784.

ClinVar aggregate classification (germline): Pathogenic. Review status: criteria provided, multiple submitters, no conflicts (2 of 4 stars). 2 submissions from 2 submitters: Pathogenic (2). Last evaluated 2024-05-03.

Conditions:
Cystic fibrosis (CF). Also called: MUCOVISCIDOSIS. Identifiers: Orphanet 586, MedGen C0010674, MONDO:0009061, OMIM 219700. Disease mechanism: loss of function.

Submissions (2):

Women's Health and Genetics/Laboratory Corporation of America, LabCorp
Classification: Pathogenic for Cystic fibrosis. Last evaluated: 2024-05-03. Review status: criteria provided, single submitter. Criteria: LabCorp Variant Classification Summary - May 2015. Collection method: clinical testing. Allele origin: germline.
Comment: Variant summary: CFTR c.54-1G>T is located in a canonical splice-site and is predicted to affect mRNA splicing resulting in a significantly altered protein due to either exon skipping, shortening, or inclusion of intronic material. Several computational tools predict a significant impact on normal splicing: four predict the variant abolishes a 3' acceptor site; three predict the variant weakens a cryptic 5' donor site. However, these predictions have yet to be confirmed by functional studies. The frequency data for this variant in gnomAD is considered unreliable, as metrics indicate poor data quality at this position. To our knowledge, no occurrence of c.54-1G>T in individuals affected with Cystic Fibrosis and no experimental evidence demonstrating its impact on protein function have been reported. ClinVar contains an entry for this variant (Variation ID: 2822143). Another splice-site variant (c.54-2A>G) at this location has been reported in patients. Based on the evidence outlined above, the variant was classified as pathogenic.

Labcorp Genetics (formerly Invitae), Labcorp
Classification: Pathogenic for Cystic fibrosis. Last evaluated: 2022-12-19. Review status: criteria provided, single submitter. Criteria: Invitae Variant Classification Sherloc (09022015). Collection method: clinical testing. Allele origin: germline.
Comment: Algorithms developed to predict the effect of sequence changes on RNA splicing suggest that this variant may disrupt the consensus splice site. Disruption of this splice site has been observed in individual(s) with cystic fibrosis (PMID: 17481968). This variant is not present in population databases (gnomAD no frequency). This sequence change affects an acceptor splice site in intron 1 of the CFTR gene. It is expected to disrupt RNA splicing. Variants that disrupt the donor or acceptor splice site typically lead to a loss of protein function (PMID: 16199547), and loss-of-function variants in CFTR are known to be pathogenic (PMID: 1695717, 7691345, 9725922). For these reasons, this variant has been classified as Pathogenic.

Literature cited by the submitters: PubMed 17481968 (cited by Labcorp Genetics (formerly Invitae), Labcorp); PubMed 16199547 (cited by Labcorp Genetics (formerly Invitae), Labcorp); PubMed 1695717 (cited by Labcorp Genetics (formerly Invitae), Labcorp); PubMed 7691345 (cited by Labcorp Genetics (formerly Invitae), Labcorp); PubMed 9725922 (cited by Labcorp Genetics (formerly Invitae), Labcorp).